The following is an entry in ClinVar:

ClinVar aggregate classification (germline): Benign. Review status: criteria provided, single submitter (1 of 4 stars). 2 submissions from 2 submitters: Benign (1). 1 of the submissions does not count toward it. Last evaluated 2018-12-24.

Conditions:
GPNMB-related disorder. Also called: GPNMB-related condition.

Allele frequency attached by ClinVar (database versions not stated): gnomAD exomes 0.00048 and 0.00129; ExAC 0.00170; ESP Exome Variant Server 0.00523; gnomAD 0.00530 and 0.00569; TOPMed 0.00609; 1000 Genomes Project 0.00699; 1000 Genomes Project 30x 0.00765.
gnomAD v4.1: 1,537 of 1,613,940 alleles (0.095%); highest among the groups gnomAD compares: African/African-American, 1.8%; 14 homozygotes.

Submissions (5):

Labcorp Genetics (formerly Invitae), Labcorp
Classification: Benign. Last evaluated: 2018-12-24. Review status: criteria provided, single submitter. Criteria: Invitae Variant Classification Sherloc (09022015). Collection method: clinical testing. Allele origin: germline.

PreventionGenetics, part of Exact Sciences
Classification: Benign for GPNMB-related condition. Last evaluated: 2019-06-06. Review status: no assertion criteria provided. Collection method: clinical testing. Allele origin: germline. Not counted in ClinVar's aggregate classification.
Comment: This variant is classified as benign based on ACMG/AMP sequence variant interpretation guidelines (Richards et al. 2015 PMID: 25741868, with internal and published modifications).

Dr. Peter K. Rogan Lab, Western University
No classification provided (evidence only). Condition: Clear cell carcinoma of kidney. Review status: no classification provided. Collection method: in vitro. Allele origin: not applicable. Functional consequence: retained intron. Not counted in ClinVar's aggregate classification.

Dr. Peter K. Rogan Lab, Western University
No classification provided (evidence only). Condition: Uterine corpus endometrial carcinoma. Review status: no classification provided. Collection method: in vitro. Allele origin: not applicable. Functional consequence: retained intron. Not counted in ClinVar's aggregate classification.

Dr. Peter K. Rogan Lab, Western University
No classification provided (evidence only). Condition: Cervical cancer. Review status: no classification provided. Collection method: in vitro. Allele origin: not applicable. Functional consequence: retained intron. Not counted in ClinVar's aggregate classification.

NM_002510.3(GPNMB):c.1299T>G (p.Asp433Glu)

Gene: GPNMB (glycoprotein nmb; plus strand). Cytogenetic location: 7p15.3.
Variant type: single nucleotide variant.
Coding change: c.1299T>G on transcript NM_002510.3 (MANE Select); coding-DNA position 1299, T replaced by G.
Protein change: p.Asp433Glu; replaces aspartic acid 433 with glutamic acid.
Molecular consequence: missense variant.
Genome position (GRCh38, 1-based): chr7:23,270,045, T>G. VCF-style: chr7-23270045-T-G. GRCh37 (hg19) VCF-style: chr7-23309664-T-G.
Other names: NC_000007.13:g.23309664T>G; c.1335T>G, p.Asp445Glu (NM_001005340.2); short protein forms D433E, D445E.
Identifiers: ClinVar variation 716877 (VCV000716877.6), dbSNP rs34824876, ClinGen allele CA4187716.